The following is an entry in ClinVar:

ClinVar aggregate classification (germline): Uncertain significance (1 of 4 stars; one submission).

Submission:

GeneDx
Classification: Uncertain significance. Last evaluated: 2026-01-21. Review status: criteria provided, single submitter. Criteria: GeneDx Variant Classification Process June 2021. Collection method: clinical testing. Allele origin: germline.
Comment: Not observed at significant frequency in large population cohorts (gnomAD); In silico analysis suggests that this missense variant does not alter protein structure/function; Has not been previously published as pathogenic or benign to our knowledge

NM_001001331.4(ATP2B2):c.1195A>G (p.Lys399Glu)

Gene: ATP2B2 (ATPase plasma membrane Ca2+ transporting 2; minus strand). Cytogenetic location: 3p25.3.
Variant type: single nucleotide variant.
Coding change: c.1195A>G on transcript NM_001001331.4 (MANE Select); coding-DNA position 1195, A replaced by G.
Protein change: p.Lys399Glu; replaces lysine 399 with glutamic acid.
Molecular consequence: missense variant.
Genome position (GRCh38, 1-based): chr3:10,378,258, T>C on the plus strand (A>G on the coding strand, the complement: ATP2B2 is on the minus strand). VCF-style: chr3-10378258-T-C. GRCh37 (hg19) VCF-style: chr3-10419942-T-C.
Other names: c.1060A>G, p.Lys354Glu (NM_001330611.3, NM_001353564.1, NM_001363862.1 and 2 more transcripts); c.1102A>G, p.Lys368Glu (NM_001438646.1); short protein forms K354E, K368E, K399E.
Identifiers: ClinVar variation 4975425 (VCV004975425.1).